The following is an entry in ClinVar:

NC_000015.9:g.(48830006_48888479)_(48905290_48936802)del

Gene: FBN1 (fibrillin 1; minus strand). Cytogenetic location: 15q21.1.
Variant type: Deletion.
Identifiers: ClinVar variation 3384897 (VCV003384897.1).

ClinVar aggregate classification (germline): Pathogenic (1 of 4 stars; one submission).

Conditions:
Familial aortopathy. Identifiers: MedGen CN078214.

Submission:

Women's Health and Genetics/Laboratory Corporation of America, LabCorp
Classification: Pathogenic for Familial aortopathy. Last evaluated: 2024-10-07. Review status: criteria provided, single submitter. Criteria: LabCorp Variant Classification Summary - May 2015. Collection method: clinical testing. Allele origin: germline.
Comment: Variant summary: The variant involves the deletion of exons 3-6 in the FBN1 gene. This Copy Number Variant (CNV) is expected to alter the reading frame and predicted to result in a truncation or absence of the encoded protein due to nonsense mediated decay (NMD). A presumed nomenclature of c.(164+1_165-1)_(538+1_539-1)del has been designated for the purposes of this classification. The variant was absent in 21694 control chromosomes. To our knowledge, no occurrence of c.(164+1_165-1)_(538+1_539-1)del in individuals affected with Aortopathy and no experimental evidence demonstrating its impact on protein function have been reported. ClinVar contains an entry for this variant (Variation ID: 662847). Based on the evidence outlined above, the variant was classified as pathogenic.